The following is an entry in ClinVar:

NM_000441.2(SLC26A4):c.626G>T (p.Gly209Val)

Gene: SLC26A4 (solute carrier family 26 member 4; plus strand). Cytogenetic location: 7q22.3.
Variant type: single nucleotide variant.
Coding change: c.626G>T on transcript NM_000441.2 (MANE Select); coding-DNA position 626, G replaced by T.
Protein change: p.Gly209Val; replaces glycine 209 with valine.
Molecular consequence: missense variant.
Genome position (GRCh38, 1-based): chr7:107,674,970, G>T. VCF-style: chr7-107674970-G-T. GRCh37 (hg19) VCF-style: chr7-107315415-G-T.
Other names: short protein forms G209V.
Identifiers: ClinVar variation 4821 (VCV000004821.69), dbSNP rs111033303, ClinGen allele CA253304.

ClinVar aggregate classification (germline): Pathogenic/Likely pathogenic. Review status: criteria provided, multiple submitters, no conflicts (2 of 4 stars). 26 submissions from 24 submitters: Pathogenic (22); Likely pathogenic (2). 2 of the submissions do not count toward it. Last evaluated 2026-01-25.

Conditions:
Monogenic hearing loss.
SLC26A4-related disorder. Also called: SLC26A4-related condition; SLC26A4-related disorders.
Rare genetic deafness. Identifiers: Orphanet 96210, MedGen C5680250.
Autosomal recessive nonsyndromic hearing loss 4 (DFNB4). Also called: Nonsyndromic enlarged vestibular aqueduct (NSEVA); Deafness, autosomal recessive 4, with enlarged vestibular aqueduct; NEUROSENSORY NONSYNDROMIC RECESSIVE DEAFNESS 4; DEAFNESS, AUTOSOMAL RECESSIVE 4, WITH ENLARGED VESTIBULAR AQUEDUCT, DIGENIC; Deafness, autosomal recessive 4; Enlarged vestibular aqueduct, digenic. Identifiers: Orphanet 90636, MedGen C3538946, MONDO:0010933, OMIM 600791.
Pendred syndrome (PDS). Also called: DEAFNESS WITH GOITER; THYROID DYSHORMONOGENESIS 2B; THYROID HORMONOGENESIS, GENETIC DEFECT IN, 2B; GOITER-DEAFNESS SYNDROME; Pendred Syndrome (PDS); Pendred's syndrome. Identifiers: Orphanet 705, MedGen C0271829, MONDO:0010134, OMIM 274600.
Hearing impairment. Also called: Impaired Hearing. Identifiers: MedGen C1384666, MONDO:0005365, HP:0000365.
Ear malformation. Also called: CUP EAR; Abnormality of the ear. Identifiers: MedGen C0266589, MONDO:0007500, OMIM 128600, HP:0000598.

Allele frequency attached by ClinVar (database versions not stated): ExAC 0.00025; gnomAD exomes 0.00030; TOPMed 0.00036; gnomAD 0.00037 and 0.00039.
gnomAD v4.1: 1,166 of 1,613,932 alleles (0.072%); highest among the groups gnomAD compares: Non-Finnish European, 0.093%; no homozygotes.

Submissions 1 to 15 of 26:

Labcorp Genetics (formerly Invitae), Labcorp
Classification: Pathogenic. Last evaluated: 2026-01-25. Review status: criteria provided, single submitter. Criteria: Invitae Variant Classification Sherloc (09022015). Collection method: clinical testing. Allele origin: germline.
Comment: This sequence change replaces glycine, which is neutral and non-polar, with valine, which is neutral and non-polar, at codon 209 of the SLC26A4 protein (p.Gly209Val). This variant is present in population databases (rs111033303, gnomAD 0.06%). This missense change has been observed in individuals with Pendred syndrome or deafness (PMID: 9618166, 11317356, 11932316, 16570074, 19204907, 19509082, 21366435, 24224479, 25394566, 26969326). It has also been observed to segregate with disease in related individuals. ClinVar contains an entry for this variant (Variation ID: 4821). Invitae Evidence Modeling of protein sequence and biophysical properties (such as structural, functional, and spatial information, amino acid conservation, physicochemical variation, residue mobility, and thermodynamic stability) indicates that this missense variant is expected to disrupt SLC26A4 protein function with a positive predictive value of 95%. Experimental studies have shown that this missense change affects SLC26A4 function (PMID: 11932316). For these reasons, this variant has been classified as Pathogenic.

CeGaT Center for Human Genetics Tuebingen
Classification: Pathogenic. Last evaluated: 2026-01-01. Review status: criteria provided, single submitter. Criteria: CeGaT Center For Human Genetics Tuebingen Variant Classification Criteria Version 2. Collection method: clinical testing. Allele origin: germline. Affected: yes. Observed: 5 variant alleles.
Comment: SLC26A4: PM3:Very Strong, PM2:Supporting, PP3, PS3:Supporting

Victorian Clinical Genetics Services, Murdoch Childrens Research Institute
Classification: Pathogenic for Pendred syndrome. Last evaluated: 2025-10-13. Review status: criteria provided, single submitter. Criteria: ACMG Guidelines, 2015. Collection method: clinical testing. Allele origin: germline. Affected: yes.
Comment: This variant is classified as Pathogenic. Evidence in support of pathogenic classification: Variant is present in gnomAD v2 <0.01 for a recessive condition (85 heterozygotes, 0 homozygotes); This variant has strong previous evidence of pathogenicity in unrelated individuals. This variant has been observed in more than ten unrelated individuals with SLC26A4-related conditions, in both compound heterozygous and homozygous state (ClinVar, LOVD, PMIDs: 11317356, 16570074, 19017801, 19204907, 24224479); Missense variant consistently predicted to be damaging by multiple in silico tools or highly conserved with a major amino acid change. Additional information: Variant is predicted to result in a missense amino acid change from glycine to valine; This variant is heterozygous; This gene is associated with autosomal recessive disease; Variant is located in the annotated sulfate permease family domain (DECIPHER); Loss of function is a known mechanism of disease in this gene and is associated with deafness with enlarged vestibular aqueduct (MIM#600791) and Pendred syndrome (MIM#274600); Variants in this gene are known to have variable expressivity (GeneReviews).

Genetics Laboratory, Great Ormond Street Hospital NHS Foundation Trust, North Thames Genomic Laboratory Hub
Classification: Pathogenic for Monogenic hearing loss. Last evaluated: 2025-09-23. Review status: criteria provided, single submitter. Criteria: ACGS Best Practice Guidelines for Variant Classification in Rare Disease 2024 v1.2. Collection method: clinical testing. Allele origin: germline. Affected: yes.
Comment: PM2_supporting, PP3_supporting, PS3_supporting, PP1_strong, PM3_very-strong, PP4_supporting

Natera, Inc.
Classification: Pathogenic for Pendred syndrome. Last evaluated: 2025-07-01. Review status: criteria provided, single submitter. Criteria: Natera Variant Classification Schema (03/2026). Collection method: clinical testing. Allele origin: germline.
Comment: The c.626G>T variant in SLC26A4 is a missense variant predicted to cause substitution of glycine to valine at amino acid 209. This variant is rare in the general population with a frequency below the threshold expected for the associated phenotype(s). This variant has been observed in one or more individuals affected with the associated recessive disease, as either homozygous or compound heterozygous with a second variant (PMID: 10190331, 19204907). Additionally, this variant has been observed to segregate in affected family members (PMID: 10190331). Computational prediction algorithms indicate this variant is likely to affect gene or protein function. Given the available evidence, this variant is classified as Pathogenic.

Blueprint Genetics
Classification: Pathogenic for SLC26A4-related disorders. Last evaluated: 2024-11-26. Review status: criteria provided, single submitter. Criteria: ACMG Guidelines, 2015. Collection method: clinical testing. Allele origin: germline. Affected: yes. Observed: 5 variant alleles.

Baylor Genetics
Classification: Pathogenic for Autosomal recessive nonsyndromic hearing loss 4. Last evaluated: 2024-03-30. Review status: criteria provided, single submitter. Criteria: ACMG Guidelines, 2015. Collection method: clinical testing. Allele origin: unknown.

Fulgent Genetics
Classification: Pathogenic for Pendred syndrome; Autosomal recessive nonsyndromic hearing loss 4. Last evaluated: 2024-03-06. Review status: criteria provided, single submitter. Criteria: ACMG Guidelines, 2015. Collection method: clinical testing. Allele origin: germline.

Women's Health and Genetics/Laboratory Corporation of America, LabCorp
Classification: Pathogenic for Pendred syndrome. Last evaluated: 2023-12-08. Review status: criteria provided, single submitter. Criteria: LabCorp Variant Classification Summary - May 2015. Collection method: clinical testing. Allele origin: germline.
Comment: Variant summary: SLC26A4 c.626G>T (p.Gly209Val) results in a non-conservative amino acid change located in the SLC26A/SulP transporter domain (IPR011547) of the encoded protein sequence. Five of five in-silico tools predict a damaging effect of the variant on protein function. The variant allele was found at a frequency of 0.0003 in 251470 control chromosomes (gnomAD). This frequency is not significantly higher than estimated for a pathogenic variant in SLC26A4 causing Pendred Syndrome (0.0003 vs 0.0035), allowing no conclusion about variant significance. c.626G>T has been reported in the literature in both homozygous and compound heterozygous individuals affected with Pendred Syndrome and non-syndromic deafness (e.g., Campbell_2001, Hutchin_2005). These data indicate that the variant is very likely to be associated with disease. The following publications have been ascertained in the context of this evaluation (PMID: 11317356, 16283880). Multiple submitters have reported clinical-significance assessments for this variant to ClinVar after 2014. All submitters classified the variant as pathogenic/likely pathogenic. Based on the evidence outlined above, the variant was classified as pathogenic.

Department of Pathology and Laboratory Medicine, Sinai Health System
Classification: Pathogenic for Autosomal recessive nonsyndromic hearing loss 4; Pendred syndrome. Last evaluated: 2023-05-17. Review status: criteria provided, single submitter. Criteria: ACMG Guidelines, 2015. Collection method: research. Allele origin: germline.

Duke University Health System Sequencing Clinic, Duke University Health System
Classification: Pathogenic for Autosomal recessive nonsyndromic hearing loss 4. Last evaluated: 2023-04-20. Review status: criteria provided, single submitter. Criteria: ACMG Guidelines, 2015. Collection method: research. Allele origin: paternal. Affected: yes.

Revvity Omics, Revvity
Classification: Pathogenic. Last evaluated: 2022-06-14. Review status: criteria provided, single submitter. Criteria: ACMG Guidelines, 2015. Collection method: clinical testing. Allele origin: germline.

Greenwood Genetic Center Diagnostic Laboratories, Greenwood Genetic Center
Classification: Pathogenic for Pendred syndrome. Last evaluated: 2022-04-06. Review status: criteria provided, single submitter. Criteria: ACMG Guidelines, 2015. Collection method: clinical testing. Allele origin: germline. Affected: yes.
Comment: PS3, PM3_Strong, PP3

Genome-Nilou Lab
Classification: Pathogenic for Autosomal recessive nonsyndromic hearing loss 4. Last evaluated: 2021-09-05. Review status: criteria provided, single submitter. Criteria: ACMG Guidelines, 2015. Collection method: clinical testing. Allele origin: germline. Affected: no.

Genome-Nilou Lab
Classification: Pathogenic for Pendred syndrome. Last evaluated: 2021-09-05. Review status: criteria provided, single submitter. Criteria: ACMG Guidelines, 2015. Collection method: clinical testing. Allele origin: germline. Affected: no.